The following is an entry in ClinVar:

NM_000784.4(CYP27A1):c.1086C>A (p.His362Gln)

Gene: CYP27A1 (cytochrome P450 family 27 subfamily A member 1; plus strand). Cytogenetic location: 2q35.
Variant type: single nucleotide variant.
Coding change: c.1086C>A on transcript NM_000784.4 (MANE Select); coding-DNA position 1086, C replaced by A.
Protein change: p.His362Gln; replaces histidine 362 with glutamine.
Molecular consequence: missense variant.
Genome position (GRCh38, 1-based): chr2:218,814,089, C>A. VCF-style: chr2-218814089-C-A. GRCh37 (hg19) VCF-style: chr2-219678812-C-A.
Other names: short protein forms H362Q.
Identifiers: ClinVar variation 1513707 (VCV001513707.9), dbSNP rs139426361, ClinGen allele CA350591769.

ClinVar aggregate classification (germline): Uncertain significance. Review status: criteria provided, multiple submitters, no conflicts (2 of 4 stars). 2 submissions from 2 submitters: Uncertain significance (2). Last evaluated 2024-10-25.

Conditions:
Cardiovascular phenotype. Identifiers: MedGen CN230736.
Cholestanol storage disease (CTX). Also called: CTX: Cerebrotendinous xanthomatosis; Cerebrotendinous Xanthomatosis; CEREBRAL CHOLESTERINOSIS. Identifiers: Orphanet 909, MedGen C0238052, MONDO:0008948, OMIM 213700.

Allele frequency attached by ClinVar (database versions not stated): TOPMed below 0.00001.

Submissions (2):

Labcorp Genetics (formerly Invitae), Labcorp
Classification: Uncertain significance for Cholestanol storage disease. Last evaluated: 2024-10-25. Review status: criteria provided, single submitter. Criteria: Invitae Variant Classification Sherloc (09022015). Collection method: clinical testing. Allele origin: germline.
Comment: This sequence change replaces histidine, which is basic and polar, with glutamine, which is neutral and polar, at codon 362 of the CYP27A1 protein (p.His362Gln). This variant is not present in population databases (gnomAD no frequency). This variant has not been reported in the literature in individuals affected with CYP27A1-related conditions. ClinVar contains an entry for this variant (Variation ID: 1513707). Invitae Evidence Modeling of protein sequence and biophysical properties (such as structural, functional, and spatial information, amino acid conservation, physicochemical variation, residue mobility, and thermodynamic stability) has been performed for this missense variant. However, the output from this modeling did not meet the statistical confidence thresholds required to predict the impact of this variant on CYP27A1 protein function. In summary, the available evidence is currently insufficient to determine the role of this variant in disease. Therefore, it has been classified as a Variant of Uncertain Significance.

Ambry Genetics
Classification: Uncertain significance for Cardiovascular phenotype. Last evaluated: 2021-06-30. Review status: criteria provided, single submitter. Criteria: Ambry Variant Classification Scheme 2023. Collection method: clinical testing. Allele origin: germline.
Comment: The p.H362Q variant (also known as c.1086C>A), located in coding exon 6 of the CYP27A1 gene, results from a C to A substitution at nucleotide position 1086. The histidine at codon 362 is replaced by glutamine, an amino acid with highly similar properties. This amino acid position is conserved. In addition, this alteration is predicted to be tolerated by in silico analysis. Since supporting evidence is limited at this time, the clinical significance of this alteration remains unclear.